The following is an entry in ClinVar:

NM_022552.5(DNMT3A):c.2479-1G>A

Gene: DNMT3A (DNA methyltransferase 3 alpha; minus strand). Cytogenetic location: 2p23.3.
Variant type: single nucleotide variant.
Coding change: c.2479-1G>A on transcript NM_022552.5 (MANE Select); the canonical splice acceptor site of the intron before coding-DNA position 2479, G replaced by A.
Molecular consequence: splice acceptor variant.
Genome position (GRCh38, 1-based): chr2:25,235,826, C>T on the plus strand (G>A on the coding strand, the complement: DNMT3A is on the minus strand). VCF-style: chr2-25235826-C-T. GRCh37 (hg19) VCF-style: chr2-25458695-C-T.
Other names: c.2479-1G>A (NM_175629.2); c.1912-1G>A (NM_153759.3); c.2023-1G>A (NM_001320893.1); c.1810-1G>A (NM_001375819.1).
Identifiers: ClinVar variation 2444428 (VCV002444428.2), dbSNP rs775933506, ClinGen allele CA1555549.

ClinVar aggregate classification (germline): Likely pathogenic. Review status: criteria provided, multiple submitters, no conflicts (2 of 4 stars). 2 submissions from 2 submitters: Likely pathogenic (2). Last evaluated 2023-04-17.

Conditions:
Tatton-Brown-Rahman overgrowth syndrome. Also called: Tall stature-intellectual disability-facial dysmorphism syndrome; Tatton-Brown-Rahman syndrome. Identifiers: Orphanet 404443, MedGen C4014545, MONDO:0014382, OMIM 615879.
DNMT3A-related disorder. Also called: DNMT3A-related disorders; DNMT3A-related condition.

Allele frequency attached by ClinVar (database versions not stated): ExAC 0.00001; gnomAD 0.00001.
gnomAD v4.1: 5 of 1,612,638 alleles (0.00031%); highest among the groups gnomAD compares: East Asian, 0.0022%; no homozygotes.

Submissions (2):

Blueprint Genetics
Classification: Likely pathogenic for DNMT3A-related disorders. Last evaluated: 2023-04-17. Review status: criteria provided, single submitter. Criteria: ACMG Guidelines, 2015. Collection method: clinical testing. Allele origin: germline. Affected: yes. Observed: 1 variant allele.

3billion
Classification: Likely pathogenic for Tatton-Brown-Rahman overgrowth syndrome. Last evaluated: 2023-02-23. Review status: criteria provided, single submitter. Criteria: ACMG Guidelines, 2015. Collection method: clinical testing. Allele origin: unknown. Affected: yes.
Comment: The variant is not observed in the gnomAD v2.1.1 dataset. This variant was predicted to alter splicing and result in a loss or disruption of normal protein function. Multiple pathogenic loss-of-function variants are reported downstream of the variant. Therefore, this variant is classified as Likely pathogenic according to the recommendation of ACMG/AMP guideline.